The following is an entry in ClinVar:

NM_001429.4(EP300):c.1088A>C (p.Gln363Pro)

Gene: EP300 (EP300 lysine acetyltransferase; plus strand). Cytogenetic location: 22q13.2.
Variant type: single nucleotide variant.
Coding change: c.1088A>C on transcript NM_001429.4 (MANE Select); coding-DNA position 1088, A replaced by C.
Protein change: p.Gln363Pro; replaces glutamine 363 with proline.
Molecular consequence: missense variant.
Genome position (GRCh38, 1-based): chr22:41,127,668, A>C. VCF-style: chr22-41127668-A-C. GRCh37 (hg19) VCF-style: chr22-41523672-A-C.
Other names: c.1088A>C, p.Gln363Pro (NM_001362843.2); short protein forms Q363P.
Identifiers: ClinVar variation 3683195 (VCV003683195.2).

ClinVar aggregate classification (germline): Uncertain significance (1 of 4 stars; one submission).

Conditions:
Rubinstein-Taybi syndrome due to EP300 haploinsufficiency. Also called: EP300-Related Rubinstein-Taybi Syndrome; RUBINSTEIN-TAYBI SYNDROME 2. Identifiers: Orphanet 353284, Orphanet 783, MedGen C3150941, MONDO:0013364, OMIM 613684.

Submission:

Labcorp Genetics (formerly Invitae), Labcorp
Classification: Uncertain significance for Rubinstein-Taybi syndrome due to EP300 haploinsufficiency. Last evaluated: 2024-06-02. Review status: criteria provided, single submitter. Criteria: Invitae Variant Classification Sherloc (09022015). Collection method: clinical testing. Allele origin: germline.
Comment: This sequence change replaces glutamine, which is neutral and polar, with proline, which is neutral and non-polar, at codon 363 of the EP300 protein (p.Gln363Pro). This variant is not present in population databases (gnomAD no frequency). This variant has not been reported in the literature in individuals affected with EP300-related conditions. Advanced modeling of protein sequence and biophysical properties (such as structural, functional, and spatial information, amino acid conservation, physicochemical variation, residue mobility, and thermodynamic stability) performed at Invitae indicates that this missense variant is not expected to disrupt EP300 protein function with a negative predictive value of 80%. In summary, the available evidence is currently insufficient to determine the role of this variant in disease. Therefore, it has been classified as a Variant of Uncertain Significance.